The following is an entry in ClinVar:

ClinVar aggregate classification (germline): Uncertain significance (1 of 4 stars; one submission).

Conditions:
ITK-related disorder. Also called: ITK-related condition.

Submission:

PreventionGenetics, part of Exact Sciences
Classification: Uncertain significance for ITK-related condition. Last evaluated: 2023-08-20. Review status: criteria provided, single submitter. Criteria: ACMG Guidelines, 2015. Collection method: clinical testing. Allele origin: germline.
Comment: The ITK c.1061-1G>A variant is predicted to disrupt the AG splice acceptor site and interfere with normal splicing. To our knowledge, this variant has not been reported in the literature or in a large population database, indicating this variant is rare. Although we suspect that this variant may be pathogenic, at this time, the clinical significance of this variant is uncertain due to the absence of conclusive functional and genetic evidence.

NM_005546.4(ITK):c.1061-1G>A

Gene: ITK (IL2 inducible T cell kinase; plus strand). Cytogenetic location: 5q33.3.
Variant type: single nucleotide variant.
Coding change: c.1061-1G>A on transcript NM_005546.4 (MANE Select); the canonical splice acceptor site of the intron before coding-DNA position 1061, G replaced by A.
Molecular consequence: splice acceptor variant.
Genome position (GRCh38, 1-based): chr5:157,243,622, G>A. VCF-style: chr5-157243622-G-A. GRCh37 (hg19) VCF-style: chr5-156670632-G-A.
Identifiers: ClinVar variation 2631535 (VCV002631535.1), dbSNP rs2113774446, ClinGen allele CA361959625.